The following is an entry in ClinVar:

ClinVar aggregate classification (germline): Likely benign (1 of 4 stars; one submission).

gnomAD v4.1: 36 of 1,614,076 alleles (0.0022%); highest among the groups gnomAD compares: Admixed American, 0.022%; no homozygotes.

Submission:

CeGaT Center for Human Genetics Tuebingen
Classification: Likely benign. Last evaluated: 2025-03-01. Review status: criteria provided, single submitter. Criteria: CeGaT Center For Human Genetics Tuebingen Variant Classification Criteria Version 2. Collection method: clinical testing. Allele origin: germline. Affected: yes. Observed: 1 variant allele.
Comment: SRRM2: BP4, BP7

NM_016333.4(SRRM2):c.3015G>A (p.Pro1005=)

Gene: SRRM2 (serine/arginine repetitive matrix 2; plus strand). Cytogenetic location: 16p13.3.
Variant type: single nucleotide variant.
Coding change: c.3015G>A on transcript NM_016333.4 (MANE Select); coding-DNA position 3015, G replaced by A.
Protein change: p.Pro1005=; no amino-acid change (proline 1005 retained).
Molecular consequence: synonymous variant.
Genome position (GRCh38, 1-based): chr16:2,763,543, G>A. VCF-style: chr16-2763543-G-A. GRCh37 (hg19) VCF-style: chr16-2813544-G-A.
Identifiers: ClinVar variation 3778055 (VCV003778055.7).